The following is an entry in ClinVar:

ClinVar aggregate classification (germline): Uncertain significance (1 of 4 stars; one submission).

Conditions:
Bethlem myopathy 1A. Also called: Bethlem Muscular Dystrophy; MYOPATHY, BENIGN CONGENITAL, WITH CONTRACTURES; Bethlem myopathy 1. Identifiers: Orphanet 610, MedGen CN029274, MONDO:0024530, OMIM 158810.

Submission:

Labcorp Genetics (formerly Invitae), Labcorp
Classification: Uncertain significance for Bethlem myopathy 1A. Last evaluated: 2022-03-14. Review status: criteria provided, single submitter. Criteria: Invitae Variant Classification Sherloc (09022015). Collection method: clinical testing. Allele origin: germline.
Comment: This variant is a gross deletion of the genomic region encompassing exon(s) 9-13 of the COL6A3 gene. This variant would be expected to be in-frame, preserving the integrity of the reading frame. In summary, the available evidence is currently insufficient to determine the role of this variant in disease. Therefore, it has been classified as a Variant of Uncertain Significance. Experimental studies and prediction algorithms are not available or were not evaluated, and the functional significance of this variant is currently unknown. This variant has not been reported in the literature in individuals affected with COL6A3-related conditions.

NC_000002.11:g.(?_238272973)_(238281000_?)del

Gene: COL6A3 (collagen type VI alpha 3 chain; minus strand). Cytogenetic location: 2q37.3.
Variant type: Deletion.
Identifiers: ClinVar variation 2425084 (VCV002425084.6).